The following is an entry in ClinVar:

NM_001040108.2(MLH3):c.2500A>G (p.Lys834Glu)

Gene: MLH3 (mutL homolog 3; minus strand). Cytogenetic location: 14q24.3.
Variant type: single nucleotide variant.
Coding change: c.2500A>G on transcript NM_001040108.2 (MANE Select); coding-DNA position 2500, A replaced by G.
Protein change: p.Lys834Glu; replaces lysine 834 with glutamic acid.
Molecular consequence: missense variant.
Genome position (GRCh38, 1-based): chr14:75,047,156, T>C on the plus strand (A>G on the coding strand, the complement: MLH3 is on the minus strand). VCF-style: chr14-75047156-T-C. GRCh37 (hg19) VCF-style: chr14-75513859-T-C.
Other names: c.2500A>G, p.Lys834Glu (NM_014381.3); short protein forms K834E.
Identifiers: ClinVar variation 2708850 (VCV002708850.3), dbSNP rs1316467728, ClinGen allele CA390440158.
Genomic context (GRCh38, chr14:75,047,156, plus strand): 5'-TCAGGGTCATAGGACTTTCTCTCAAACTAGGCATCTGTTGTTCTAAACAATCTTCATCCT[T>C]GGAGAATGGAAACTTCTCTGAGTTAAGGATGTGGCTTGCTGGTTGACAACTACTATCTGA-3'
Protein context (NP_001035197.1, residues 824-844): ILNSEKFPFS[Lys834Glu]DEDCLEQQMP

ClinVar aggregate classification (germline): Uncertain significance (1 of 4 stars; one submission).

Conditions:
Colorectal cancer, hereditary nonpolyposis, type 7. Identifiers: Orphanet 144, MedGen C1858380, MONDO:0013725, OMIM 614385.

Submission:

Labcorp Genetics (formerly Invitae), Labcorp
Classification: Uncertain significance for Colorectal cancer, hereditary nonpolyposis, type 7. Last evaluated: 2024-01-11. Review status: criteria provided, single submitter. Criteria: Invitae Variant Classification Sherloc (09022015). Collection method: clinical testing. Allele origin: germline.
Comment: This sequence change replaces lysine, which is basic and polar, with glutamic acid, which is acidic and polar, at codon 834 of the MLH3 protein (p.Lys834Glu). This variant is not present in population databases (gnomAD no frequency). This variant has not been reported in the literature in individuals affected with MLH3-related conditions. Algorithms developed to predict the effect of missense changes on protein structure and function output the following: SIFT: "Not Available"; PolyPhen-2: "Benign"; Align-GVGD: "Not Available". The glutamic acid amino acid residue is found in multiple mammalian species, which suggests that this missense change does not adversely affect protein function. In summary, the available evidence is currently insufficient to determine the role of this variant in disease. Therefore, it has been classified as a Variant of Uncertain Significance.